The following is an entry in ClinVar:

ClinVar aggregate classification (germline): Likely benign (1 of 4 stars; one submission).

Conditions:
Colorectal cancer, hereditary nonpolyposis, type 7. Identifiers: Orphanet 144, MedGen C1858380, MONDO:0013725, OMIM 614385.

Allele frequency attached by ClinVar (database versions not stated): gnomAD 0.00950; 1000 Genomes Project 30x 0.01015; 1000 Genomes Project 0.01058; TOPMed 0.01155.
gnomAD v4.1: 1,606 of 190,892 alleles (0.84%); highest among the groups gnomAD compares: African/African-American, 3.3%; 30 homozygotes.

Submission:

Illumina Laboratory Services, Illumina
Classification: Likely benign for Colorectal cancer, hereditary nonpolyposis, type 7. Last evaluated: 2018-01-13. Review status: criteria provided, single submitter. Criteria: ICSL Variant Classification Criteria 13 December 2019. Collection method: clinical testing. Allele origin: germline.
Comment: This variant was observed in the ICSL laboratory as part of a predisposition screen in an ostensibly healthy population. It had not been previously curated by ICSL or reported in the Human Gene Mutation Database (HGMD: prior to June 1st, 2018), and was therefore a candidate for classification through an automated scoring system. Utilizing variant allele frequency, disease prevalence and penetrance estimates, and inheritance mode, an automated score was calculated to assess if this variant is too frequent to cause the disease. Based on the score and internal cut-off values, a variant classified as likely benign is not then subjected to further curation. The score for this variant resulted in a classification of likely benign for this disease.

NM_001040108.2(MLH3):c.*3140C>T

Gene: MLH3 (mutL homolog 3; minus strand). Cytogenetic location: 14q24.3.
Variant type: single nucleotide variant.
Coding change: c.*3140C>T on transcript NM_001040108.2 (MANE Select); 3140 bases downstream of the stop codon, C replaced by T.
Molecular consequence: 3 prime UTR variant.
Genome position (GRCh38, 1-based): chr14:75,013,942, G>A on the plus strand (C>T on the coding strand, the complement: MLH3 is on the minus strand). VCF-style: chr14-75013942-G-A. GRCh37 (hg19) VCF-style: chr14-75480645-G-A.
Other names: c.*3140C>T (NM_014381.3).
Identifiers: ClinVar variation 314346 (VCV000314346.6), dbSNP rs77514025, ClinGen allele CA10635330.
Genomic context (GRCh38, chr14:75,013,942, plus strand): 5'-GAGCAGCTTCAGCTTAGAGGGTAAAGACAGGCATGATCGCGACTGGCCAGCATACTGGCC[G>A]GTTCTCTCTGTTAGCAGACTTTTGCCAAGGGTTTGGATGGAATGGGTGGCTCTTCAGGTG-3'